The following is an entry in ClinVar:

NM_001130987.2(DYSF):c.1267_1276+4dup

Gene: DYSF (dysferlin; plus strand). Cytogenetic location: 2p13.2.
Variant type: Duplication.
Coding change: c.1267_1276+4dup on transcript NM_001130987.2 (MANE Select); coding-DNA position 1267 through 4 bases into the intron after coding-DNA position 1276, 14 bases duplicated (TTGCCGCAGAGTGC).
Molecular consequence: splice donor variant.
Genome position (GRCh38, 1-based): chr2:71,526,337-71,526,350, TTGCCGCAGAGTGC duplicated; duplicating any 14 consecutive bases within chr2:71,526,336-71,526,350 gives the same sequence; the c. name uses the placement nearest the transcript's 3' end. VCF-style (leftmost placement, unchanged base first): chr2-71526335-A-ACTTGCCGCAGAGTG. GRCh37 (hg19) VCF-style: chr2-71753465-A-ACTTGCCGCAGAGTG.
Other names: c.1264_1273+4dup (NM_001130979.2, NM_001130981.2, NM_001130980.2); c.1171_1180+4dup (NM_001130978.2, NM_003494.4, NM_001130977.2 and 1 more transcripts); c.1267_1276+4dup (NM_001130982.2, NM_001130985.2); c.1174_1183+4dup (NM_001130983.2, NM_001130455.2, NM_001130984.2 and 1 more transcripts).
Identifiers: ClinVar variation 497129 (VCV000497129.7), dbSNP rs1573744795, ClinGen allele CA658822436.
Genomic context (GRCh38, chr2:71,526,335, plus strand): 5'-GGCCCACAGGCGTAGCCCTGCGAGGAGCCCACTTCTGCCTGAAGGTCTTCCGGGCCGAGG[A>ACTTGCCGCAGAGTG]CTTGCCGCAGAGTGCGTGGGGCGCGCCCTTGGGTGGGAGGTCTGCAGGAGGCTGGAGGCG-3'

ClinVar aggregate classification (germline): Pathogenic. Review status: reviewed by expert panel (3 of 4 stars). 3 submissions from 3 submitters: Pathogenic (1). 2 of the submissions do not count toward it. Last evaluated 2025-02-25.

Conditions:
Autosomal recessive limb-girdle muscular dystrophy. Identifiers: Orphanet 102015, MedGen C2931907, MONDO:0015152.
Autosomal recessive limb-girdle muscular dystrophy type 2B (LGMDR2). Also called: MUSCULAR DYSTROPHY, LIMB-GIRDLE, AUTOSOMAL RECESSIVE 2; Limb-Girdle Muscular Dystrophy Type 2B (LGMD2B); MUSCULAR DYSTROPHY, LIMB-GIRDLE, TYPE 3; Limb-girdle muscular dystrophy, type 2B. Identifiers: Orphanet 268, MedGen C1850889, MONDO:0009676, OMIM 253601.

Submissions (3):

ClinGen Limb Girdle Muscular Dystrophy Variant Curation Expert Panel, ClinGen
Classification: Pathogenic for Autosomal recessive limb-girdle muscular dystrophy. Last evaluated: 2025-02-25. Review status: reviewed by expert panel. Criteria: ClinGen LGMD VCEP ACMG Specifications DYSF V1.0.0. Collection method: curation. Allele origin: germline. Inheritance: Autosomal recessive inheritance.
Comment: The NM_003494.4: c.1171_1180+4dup variant in DYSF, which is also known as NM_001130987.2: c.1267_1276+4dup, overlaps the last 10 bases of exon 12 and the splice donor region in intron 13. RNA-Seq analysis has shown that this variant leads to an extension of the splice donor site to the end of the duplication, resulting in a frameshift and premature truncation, p.(Met394SerfsTer10), for which nonsense mediated decay is expected (PMID: 36983702; PVS1_RNA). This variant has been reported in a homozygous state in an individual with suspected LGMD (0.5 pts, PMID: 36983702) (PM3_Supporting). This individual displayed slow progressive muscle weakness and disease range dysferlin expression in blood monocytes, which is highly specific for DYSF-related LGMD (PMID: 36983702; PP4_Strong). This variant is absent from gnomAD v.4.1.0 (PM2_Supporting). In summary, this variant meets the criteria to be classified as Pathogenic for autosomal recessive limb girdle muscular dystrophy based on the ACMG/AMP criteria applied, as specified by the ClinGen LGMD VCEP (LGMD VCEP specifications version 1.0.0; 02/25/2025): PVS1_RNA, PP4_Strong, PM2_Supporting, PM3_Supporting.

Eurofins Ntd Llc (ga)
Classification: Pathogenic. Last evaluated: 2016-08-08. Review status: criteria provided, single submitter. Criteria: EGL Classification Definitions 2015. Collection method: clinical testing. Allele origin: germline. Observed: 1 variant allele, 1 heterozygote. Not counted in ClinVar's aggregate classification.

Neuberg Centre For Genomic Medicine, NCGM
Classification: Uncertain significance for Autosomal recessive limb-girdle muscular dystrophy type 2B. Review status: flagged submission. Criteria: ACMG Guidelines, 2015. Collection method: clinical testing. Allele origin: germline. Inheritance: Autosomal recessive inheritance. Affected: yes. Not counted in ClinVar's aggregate classification.
Comment: The splice region variant c.1267_1276+4dup in DYSF gene has not been reported previously as a pathogenic variant nor as a benign variant, to our knowledge. The variant is novel (not in any individuals) in gnomAD Exomes and is novel (not in any individuals) in 1000 Genomes. The observed variant is submitted to ClinVar database as Pathogenic / Likely pathogenic but no details are provided for individual assessment. For these reasons, this variant has been classified as Uncertain Significance.
ClinVar note: Reason: Conflicts with expert reviewed submission without evidence to support different classification